The following is an entry in ClinVar:

ClinVar aggregate classification (germline): Uncertain significance (1 of 4 stars; one submission).

Conditions:
Idiopathic generalized epilepsy. Also called: EIG; Generalised epilepsy. Identifiers: MedGen C0270850, MONDO:0005579, OMIM 600669.

gnomAD v4.1: 1 of 1,424,514 alleles (0.00007%); highest among the groups gnomAD compares: Non-Finnish European, 0.000092%; no homozygotes.

Submission:

Labcorp Genetics (formerly Invitae), Labcorp
Classification: Uncertain significance for Idiopathic generalized epilepsy. Last evaluated: 2023-08-16. Review status: criteria provided, single submitter. Criteria: Invitae Variant Classification Sherloc (09022015). Collection method: clinical testing. Allele origin: germline.
Comment: This sequence change replaces histidine, which is basic and polar, with arginine, which is basic and polar, at codon 43 of the RBFOX3 protein (p.His43Arg). The frequency data for this variant in the population databases is considered unreliable, as metrics indicate poor data quality at this position in the gnomAD database. This variant has not been reported in the literature in individuals affected with RBFOX3-related conditions. Advanced modeling of protein sequence and biophysical properties (such as structural, functional, and spatial information, amino acid conservation, physicochemical variation, residue mobility, and thermodynamic stability) performed at Invitae indicates that this missense variant is not expected to disrupt RBFOX3 protein function. In summary, the available evidence is currently insufficient to determine the role of this variant in disease. Therefore, it has been classified as a Variant of Uncertain Significance.

NM_001350451.2(RBFOX3):c.128A>G (p.His43Arg)

Gene: RBFOX3 (RNA binding fox-1 homolog 3; minus strand). Cytogenetic location: 17q25.3.
Variant type: single nucleotide variant.
Coding change: c.128A>G on transcript NM_001350451.2 (MANE Select); coding-DNA position 128, A replaced by G.
Protein change: p.His43Arg; replaces histidine 43 with arginine.
Molecular consequence: missense variant.
Genome position (GRCh38, 1-based): chr17:79,115,588, T>C on the plus strand (A>G on the coding strand, the complement: RBFOX3 is on the minus strand). VCF-style: chr17-79115588-T-C. GRCh37 (hg19) VCF-style: chr17-77111670-T-C.
Other names: c.128A>G, p.His43Arg (NM_001082575.3, NM_001350453.2, NM_001385804.1 and 43 more transcripts); short protein forms H43R.
Identifiers: ClinVar variation 2789354 (VCV002789354.3), dbSNP rs1470997327, ClinGen allele CA401318036.